The following is an entry in ClinVar:

NM_002292.4(LAMB2):c.4196C>T (p.Thr1399Ile)

Gene: LAMB2 (laminin subunit beta 2; minus strand). Cytogenetic location: 3p21.31.
Variant type: single nucleotide variant.
Coding change: c.4196C>T on transcript NM_002292.4 (MANE Select); coding-DNA position 4196, C replaced by T.
Protein change: p.Thr1399Ile; replaces threonine 1399 with isoleucine.
Molecular consequence: missense variant.
Genome position (GRCh38, 1-based): chr3:49,123,160, G>A on the plus strand (C>T on the coding strand, the complement: LAMB2 is on the minus strand). VCF-style: chr3-49123160-G-A. GRCh37 (hg19) VCF-style: chr3-49160593-G-A.
Other names: p.Thr1399Ile; short protein forms T1399I.
Identifiers: ClinVar variation 3379468 (VCV003379468.1).

ClinVar aggregate classification (germline): Uncertain significance (1 of 4 stars; one submission).

gnomAD v4.1: 26 of 1,613,490 alleles (0.0016%); highest among the groups gnomAD compares: East Asian, 0.0067%; no homozygotes.

Submission:

Mayo Clinic Laboratories, Mayo Clinic
Classification: Uncertain significance. Last evaluated: 2024-06-03. Review status: criteria provided, single submitter. Criteria: ACMG Guidelines, 2015. Collection method: clinical testing. Allele origin: germline. Observed: 1 variant allele.
Comment: BP4, PM2